The following is an entry in ClinVar:

ClinVar aggregate classification (germline): Conflicting classifications of pathogenicity. Review status: criteria provided, conflicting classifications (1 of 4 stars). 10 submissions from 10 submitters: Uncertain significance (8); Likely benign (1). 1 of the submissions does not count toward it. Last evaluated 2024-03-25.

Conditions:
Hereditary cancer-predisposing syndrome. Also called: Tumor predisposition; Hereditary Cancer Syndrome; Hereditary neoplastic syndrome; Neoplastic Syndromes, Hereditary. Identifiers: Orphanet 140162, MedGen C0027672, MeSH D009386, MONDO:0015356.
Aplastic anemia. Identifiers: Orphanet 182040, Orphanet 88, MedGen C0002874, MONDO:0015909, OMIM 609135, HP:0001915.
Microcephaly, normal intelligence and immunodeficiency (NBS). Also called: IMMUNODEFICIENCY, MICROCEPHALY, AND CHROMOSOMAL INSTABILITY; SEEMANOVA SYNDROME II; Nijmegen breakage syndrome; Microcephaly with normal intelligence immunodeficiency and lymphoreticular malignancies; Nonsyndromal microcephaly autosomal recessive with normal intelligence; Seemanova syndrome 2. Identifiers: Orphanet 647, MedGen C0398791, MONDO:0009623, OMIM 251260.

Allele frequency attached by ClinVar (database versions not stated): gnomAD exomes 0.00001 and 0.00004; ExAC 0.00006; ESP Exome Variant Server 0.00008; 1000 Genomes Project 30x 0.00016; gnomAD 0.00018 and 0.00021; 1000 Genomes Project 0.00020; TOPMed 0.00022.
gnomAD v4.1: 49 of 1,613,898 alleles (0.003%); highest among the groups gnomAD compares: African/African-American, 0.061%; no homozygotes.

Submissions (10):

Baylor Genetics
Classification: Uncertain significance for Aplastic anemia. Last evaluated: 2024-03-25. Review status: criteria provided, single submitter. Criteria: ACMG Guidelines, 2015. Collection method: clinical testing. Allele origin: unknown.

St. Jude Molecular Pathology, St. Jude Children's Research Hospital
Classification: Uncertain significance for Microcephaly, normal intelligence and immunodeficiency. Last evaluated: 2024-02-22. Review status: criteria provided, single submitter. Criteria: St. Jude Assertion Criteria 2020. Collection method: clinical testing. Allele origin: germline.
Comment: The NBN c.786C>A (p.Phe262Leu) missense change has a maximum subpopulation frequency of 0.044% in gnomAD v2.1.1. The in silico tool REVEL predicts a benign effect on protein function, but this prediction has not been confirmed by functional studies. This variant has not been reported in individuals with Nijmegan breakage syndrome. In summary, the evidence currently available is insufficient to determine the clinical significance of this variant. It has therefore been classified as of uncertain significance.

Quest Diagnostics Nichols Institute San Juan Capistrano
Classification: Uncertain significance. Last evaluated: 2023-01-13. Review status: criteria provided, single submitter. Criteria: Quest Diagnostics criteria. Collection method: clinical testing. Allele origin: unknown.
Comment: The frequency of this variant in the general population, 0.00044 (11/24962 chromosomes), is uninformative in assessment of its pathogenicity. In the published literature, the variant has been reported in an individual with colorectal cancer (PMID: 27978560 (2016)). Analysis of this variant using bioinformatics tools for the prediction of the effect of amino acid changes on protein structure and function yielded predictions that this variant is benign. Based on the available information, we are unable to determine the clinical significance of this variant.

GeneDx
Classification: Uncertain significance. Last evaluated: 2022-12-01. Review status: criteria provided, single submitter. Criteria: GeneDx Variant Classification Process June 2021. Collection method: clinical testing. Allele origin: germline. Affected: yes.
Comment: In silico analysis supports that this missense variant does not alter protein structure/function; Observed in an individual with colon cancer (Pearlman et al., 2017); This variant is associated with the following publications: (PMID: 24894818, 27978560)

Labcorp Genetics (formerly Invitae), Labcorp
Classification: Uncertain significance for Microcephaly, normal intelligence and immunodeficiency. Last evaluated: 2022-10-13. Review status: criteria provided, single submitter. Criteria: Invitae Variant Classification Sherloc (09022015). Collection method: clinical testing. Allele origin: germline.
Comment: This sequence change replaces phenylalanine, which is neutral and non-polar, with leucine, which is neutral and non-polar, at codon 262 of the NBN protein (p.Phe262Leu). This variant is present in population databases (rs372159380, gnomAD 0.05%). This missense change has been observed in individual(s) with colon cancer (PMID: 27978560). ClinVar contains an entry for this variant (Variation ID: 185571). Algorithms developed to predict the effect of missense changes on protein structure and function (SIFT, PolyPhen-2, Align-GVGD) all suggest that this variant is likely to be tolerated. In summary, the available evidence is currently insufficient to determine the role of this variant in disease. Therefore, it has been classified as a Variant of Uncertain Significance.

Ambry Genetics
Classification: Likely benign for Hereditary cancer-predisposing syndrome. Last evaluated: 2022-04-19. Review status: criteria provided, single submitter. Criteria: Ambry Variant Classification Scheme 2023. Collection method: clinical testing. Allele origin: germline.

Women's Health and Genetics/Laboratory Corporation of America, LabCorp
Classification: Uncertain significance. Last evaluated: 2022-02-10. Review status: criteria provided, single submitter. Criteria: LabCorp Variant Classification Summary - May 2015. Collection method: clinical testing. Allele origin: germline.
Comment: Variant summary: NBN c.786C>A (p.Phe262Leu) results in a non-conservative amino acid change located in the Nibrin, second BRCT domain (IPR032429) of the encoded protein sequence. Four of five in-silico tools predict a benign effect of the variant on protein function. The variant allele was found at a frequency of 3.6e-05 in 251270 control chromosomes (gnomAD). The available data on variant occurrences in the general population are insufficient to allow any conclusion about variant significance.c.786C>A has been reported in the literature in at-least one individual affected with early-onset MMR tumor status: Proficient, colorectal cancer (Pearlman_2017). This report does not provide unequivocal conclusions about association of the variant with Nijmegen Breakage Syndrome. To our knowledge, no experimental evidence demonstrating an impact on protein function has been reported. Six ClinVar submitters have assessed the variant since 2014: all classified the variant as of uncertain significance. Based on the evidence outlined above, the variant was classified as uncertain significance.

Genome-Nilou Lab
Classification: Uncertain significance for Microcephaly, normal intelligence and immunodeficiency. Last evaluated: 2021-11-07. Review status: criteria provided, single submitter. Criteria: ACMG Guidelines, 2015. Collection method: clinical testing. Allele origin: germline. Affected: no.

Sema4
Classification: Uncertain significance for Hereditary cancer-predisposing syndrome. Last evaluated: 2021-07-10. Review status: criteria provided, single submitter. Criteria: Sema4 Curation Guidelines. Collection method: curation. Allele origin: germline.
Comment: The NBN c.786C>A (p.F262L) variant has been reported in heterozygosity in at least one individual with colorectal cancer (PMID: 27978560). It was observed in 11/24962 chromosomes of the African/African American subpopulation, with no homozygotes, in the large and broad cohorts of the Genome Aggregation Database. The variant has been reported in ClinVar (Variation ID: 185571). In silico tools suggest the impact of the variant on protein function is benign, though these predictions have not been confirmed by functional studies. The evidence is insufficient to meet ACMG/AMP criteria for classifying the variant as benign or pathogenic. Thus, the clinical significance of this variant is currently uncertain.

Natera, Inc.
Classification: Uncertain significance for Nijmegen breakage syndrome. Last evaluated: 2020-02-19. Review status: no assertion criteria provided. Collection method: clinical testing. Allele origin: germline. Not counted in ClinVar's aggregate classification.

Literature cited by the submitters: PubMed 32832836 (cited by Quest Diagnostics Nichols Institute San Juan Capistrano and Ambry Genetics); PubMed 27978560 (cited by 5 submitters).

NM_002485.5(NBN):c.786C>A (p.Phe262Leu)

Gene: NBN (nibrin; minus strand). Cytogenetic location: 8q21.3.
Variant type: single nucleotide variant.
Coding change: c.786C>A on transcript NM_002485.5 (MANE Select); coding-DNA position 786, C replaced by A.
Protein change: p.Phe262Leu; replaces phenylalanine 262 with leucine.
Molecular consequence: missense variant.
Genome position (GRCh38, 1-based): chr8:89,970,474, G>T on the plus strand (C>A on the coding strand, the complement: NBN is on the minus strand). VCF-style: chr8-89970474-G-T. GRCh37 (hg19) VCF-style: chr8-90982702-G-T.
Other names: c.540C>A, p.Phe180Leu (NM_001024688.3); short protein forms F262L, F180L.
Identifiers: ClinVar variation 185571 (VCV000185571.36), dbSNP rs372159380, ClinGen allele CA192297.